The following is an entry in ClinVar:

ClinVar aggregate classification (germline): Uncertain significance (1 of 4 stars; one submission).

Conditions:
Marfan syndrome (MFS). Also called: MARFAN SYNDROME, TYPE I; Marfan syndrome type 1; Marfan's syndrome; Marfan syndrome, classic; FBN1-Related Marfan Syndrome. Identifiers: Orphanet 284963, Orphanet 558, MedGen C0024796, MONDO:0007947, OMIM 154700.
Familial thoracic aortic aneurysm and aortic dissection (TAAD). Also called: Thoracic aortic aneurysms and dissections. Identifiers: Orphanet 91387, MedGen C4707243, MONDO:0019625.

gnomAD v4.1: 6 of 1,614,110 alleles (0.00037%); highest among the groups gnomAD compares: Non-Finnish European, 0.00051%; no homozygotes.

Submission:

Labcorp Genetics (formerly Invitae), Labcorp
Classification: Uncertain significance for Marfan syndrome; Familial thoracic aortic aneurysm and aortic dissection. Last evaluated: 2024-03-05. Review status: criteria provided, single submitter. Criteria: Invitae Variant Classification Sherloc (09022015). Collection method: clinical testing. Allele origin: germline.
Comment: This sequence change replaces arginine, which is basic and polar, with cysteine, which is neutral and slightly polar, at codon 1820 of the FBN1 protein (p.Arg1820Cys). This variant is not present in population databases (gnomAD no frequency). This variant has not been reported in the literature in individuals affected with FBN1-related conditions. Advanced modeling of protein sequence and biophysical properties (such as structural, functional, and spatial information, amino acid conservation, physicochemical variation, residue mobility, and thermodynamic stability) performed at Invitae indicates that this missense variant is expected to disrupt FBN1 protein function with a positive predictive value of 95%. In summary, the available evidence is currently insufficient to determine the role of this variant in disease. Therefore, it has been classified as a Variant of Uncertain Significance.

NM_000138.5(FBN1):c.5458C>T (p.Arg1820Cys)

Gene: FBN1 (fibrillin 1; minus strand). Cytogenetic location: 15q21.1.
Variant type: single nucleotide variant.
Coding change: c.5458C>T on transcript NM_000138.5 (MANE Select); coding-DNA position 5458, C replaced by T.
Protein change: p.Arg1820Cys; replaces arginine 1820 with cysteine.
Molecular consequence: missense variant.
Genome position (GRCh38, 1-based): chr15:48,452,649, G>A on the plus strand (C>T on the coding strand, the complement: FBN1 is on the minus strand). VCF-style: chr15-48452649-G-A. GRCh37 (hg19) VCF-style: chr15-48744846-G-A.
Other names: c.5458C>T, p.Arg1820Cys (NM_001406716.1); short protein forms R1820C.
Identifiers: ClinVar variation 3759278 (VCV003759278.2).